The following is an entry in ClinVar:

NM_014363.6(SACS):c.3484G>T (p.Glu1162Ter)

Gene: SACS (sacsin molecular chaperone; minus strand). Cytogenetic location: 13q12.12.
Variant type: single nucleotide variant.
Coding change: c.3484G>T on transcript NM_014363.6 (MANE Select); coding-DNA position 3484, G replaced by T.
Protein change: p.Glu1162Ter; replaces glutamic acid 1162 with a stop codon.
Molecular consequence: nonsense.
Genome position (GRCh38, 1-based): chr13:23,340,392, C>A on the plus strand (G>T on the coding strand, the complement: SACS is on the minus strand). VCF-style: chr13-23340392-C-A. GRCh37 (hg19) VCF-style: chr13-23914531-C-A.
Other names: c.3043G>T, p.Glu1015Ter (NM_001278055.2); c.3484G>T (NM_014363.5); short protein forms E1015*, E1162*.
Identifiers: ClinVar variation 1453384 (VCV001453384.12), dbSNP rs1246013998, ClinGen allele CA387534967.
Genomic context (GRCh38, chr13:23,340,392, plus strand): 5'-CACAGAGATTACAGAGATCTCCTTTCCAGACCAAAGAGCCTGGATAATTTGGAGGCCTTT[C>A]CTTGCAGGCTGGAACCCATTTTATTTTCTTCAATGTCATCTTTCCTTCAGATGATTGCAA-3'

ClinVar aggregate classification (germline): Pathogenic/Likely pathogenic. Review status: criteria provided, multiple submitters, no conflicts (2 of 4 stars). 4 submissions from 4 submitters: Pathogenic (2); Likely pathogenic (2). Last evaluated 2025-10-21.

Conditions:
Charlevoix-Saguenay spastic ataxia (SACS). Also called: SPASTIC ATAXIA 6, AUTOSOMAL RECESSIVE; Spastic ataxia of Charlevoix-Saguenay; AUTOSOMAL RECESSIVE SPASTIC ATAXIA OF CHARLEVOIX-SAGUENAY. Identifiers: Orphanet 98, MedGen C1849140, MONDO:0010041, OMIM 270550.
Spastic paraplegia. Identifiers: MedGen C0037772, HP:0001258.

Allele frequency attached by ClinVar (database versions not stated): gnomAD exomes below 0.00001; TOPMed below 0.00001.
gnomAD v4.1: 2 of 1,614,140 alleles (0.00012%); highest among the groups gnomAD compares: Non-Finnish European, 0.00017%; no homozygotes.

Submissions (4):

Labcorp Genetics (formerly Invitae), Labcorp
Classification: Pathogenic for Spastic paraplegia. Last evaluated: 2025-10-21. Review status: criteria provided, single submitter. Criteria: Invitae Variant Classification Sherloc (09022015). Collection method: clinical testing. Allele origin: germline.
Comment: This sequence change creates a premature translational stop signal (p.Glu1162*) in the SACS gene. While this is not anticipated to result in nonsense mediated decay, it is expected to disrupt the last 3418 amino acid(s) of the SACS protein. This variant is present in population databases (no rsID available, gnomAD 0.0009%). This premature translational stop signal has been observed in individual(s) with hereditary spastic paraplegia (PMID: 21745802, 31692161). In at least one individual the data is consistent with being in trans (on the opposite chromosome) from a pathogenic variant. It has also been observed to segregate with disease in related individuals. ClinVar contains an entry for this variant (Variation ID: 1453384). For these reasons, this variant has been classified as Pathogenic.

Baylor Genetics
Classification: Likely pathogenic for Charlevoix-Saguenay spastic ataxia. Last evaluated: 2024-02-12. Review status: criteria provided, single submitter. Criteria: ACMG Guidelines, 2015. Collection method: clinical testing. Allele origin: unknown.

Revvity Omics, Revvity
Classification: Pathogenic for Charlevoix-Saguenay spastic ataxia. Last evaluated: 2022-06-28. Review status: criteria provided, single submitter. Criteria: ACMG Guidelines, 2015. Collection method: clinical testing. Allele origin: germline.

PROSPAX: an integrated multimodal progression  chart in spastic ataxias, Center for Neurology; Hertie-Institute for Clinical Brain Research
Classification: Likely pathogenic for Charlevoix-Saguenay spastic ataxia. Last evaluated: 2022-01-01. Review status: criteria provided, single submitter. Criteria: ACMG Guidelines, 2015. Collection method: research. Allele origin: germline. Affected: yes.

Literature cited by the submitters: PubMed 21745802 (cited by Labcorp Genetics (formerly Invitae), Labcorp); PubMed 31692161 (cited by Labcorp Genetics (formerly Invitae), Labcorp).